The following is an entry in ClinVar:

ClinVar aggregate classification (germline): Uncertain significance. Review status: criteria provided, multiple submitters, no conflicts (2 of 4 stars). 2 submissions from 2 submitters: Uncertain significance (2). Last evaluated 2025-11-17.

Conditions:
Hereditary cancer-predisposing syndrome. Also called: Neoplastic Syndromes, Hereditary; Hereditary neoplastic syndrome; Tumor predisposition; Hereditary Cancer Syndrome. Identifiers: Orphanet 140162, MedGen C0027672, MeSH D009386, MONDO:0015356.
Ataxia-telangiectasia syndrome (AT). Also called: Ataxia-telangiectasia, complementation group D; AT, COMPLEMENTATION GROUP C; Ataxia telangiectasia (A-T); Cerebello-oculocutaneous telangiectasia; Immunodeficiency with ataxia telangiectasia; ATAXIA-TELANGIECTASIA, COMPLEMENTATION GROUP A. Identifiers: Orphanet 100, MedGen C0004135, MONDO:0008840, OMIM 208900.

Submissions (2):

Ambry Genetics
Classification: Uncertain significance for Hereditary cancer-predisposing syndrome. Last evaluated: 2025-11-17. Review status: criteria provided, single submitter. Criteria: Ambry Variant Classification Scheme 2023. Collection method: clinical testing. Allele origin: germline.
Comment: The p.C199R variant (also known as c.595T>C), located in coding exon 5 of the ATM gene, results from a T to C substitution at nucleotide position 595. The cysteine at codon 199 is replaced by arginine, an amino acid with highly dissimilar properties. In an assay testing ATM function, this variant showed a functionally normal result (Lee KS et al. Cell, 2025 Sep;188:5081-5099.e27). This amino acid position is conserved. In addition, the in silico prediction for this alteration is inconclusive. Based on the available evidence, the clinical significance of this variant remains unclear.

Labcorp Genetics (formerly Invitae), Labcorp
Classification: Uncertain significance for Ataxia-telangiectasia syndrome. Last evaluated: 2024-08-12. Review status: criteria provided, single submitter. Criteria: Invitae Variant Classification Sherloc (09022015). Collection method: clinical testing. Allele origin: germline.
Comment: This sequence change replaces cysteine, which is neutral and slightly polar, with arginine, which is basic and polar, at codon 199 of the ATM protein (p.Cys199Arg). This variant is not present in population databases (gnomAD no frequency). This variant has not been reported in the literature in individuals affected with ATM-related conditions. ClinVar contains an entry for this variant (Variation ID: 661460). An algorithm developed to predict the effect of missense changes on protein structure and function (PolyPhen-2) suggests that this variant is likely to be disruptive. In summary, the available evidence is currently insufficient to determine the role of this variant in disease. Therefore, it has been classified as a Variant of Uncertain Significance.

Literature cited by the submitters: PubMed 40580951 (cited by Ambry Genetics).

NM_000051.4(ATM):c.595T>C (p.Cys199Arg)

Gene: ATM (ATM serine/threonine kinase; plus strand). Cytogenetic location: 11q22.3.
Variant type: single nucleotide variant.
Coding change: c.595T>C on transcript NM_000051.4 (MANE Select); coding-DNA position 595, T replaced by C.
Protein change: p.Cys199Arg; replaces cysteine 199 with arginine.
Molecular consequence: missense variant.
Genome position (GRCh38, 1-based): chr11:108,244,051, T>C. VCF-style: chr11-108244051-T-C. GRCh37 (hg19) VCF-style: chr11-108114778-T-C.
Other names: c.595T>C, p.Cys199Arg (NM_001351834.2); short protein forms C199R.
Identifiers: ClinVar variation 661460 (VCV000661460.11), dbSNP rs1591500295, ClinGen allele CA382528044.